The following is an entry in ClinVar:

NM_138701.4(MPLKIP):c.208G>T (p.Gly70Cys)

Genes: MPLKIP (M-phase specific PLK1 interacting protein; minus strand), LOC129998295 (ATAC-STARR-seq lymphoblastoid silent region 18117; plus strand). Cytogenetic location: 7p14.1.
Variant type: single nucleotide variant.
Coding change: c.208G>T on transcript NM_138701.4 (MANE Select); coding-DNA position 208, G replaced by T.
Protein change: p.Gly70Cys; replaces glycine 70 with cysteine.
Molecular consequence: missense variant.
Genome position (GRCh38, 1-based): chr7:40,134,360, C>A on the plus strand (G>T on the coding strand, the complement: MPLKIP is on the minus strand). VCF-style: chr7-40134360-C-A. GRCh37 (hg19) VCF-style: chr7-40173959-C-A.
Other names: c.208G>T (NM_138701.3); short protein forms G70C.
Identifiers: ClinVar variation 1490333 (VCV001490333.9), dbSNP rs1275727443, ClinGen allele CA367308235.

ClinVar aggregate classification (germline): Uncertain significance. Review status: criteria provided, multiple submitters, no conflicts (2 of 4 stars). 2 submissions from 2 submitters: Uncertain significance (2). Last evaluated 2025-06-02.

Conditions:
Inborn genetic diseases. Identifiers: MedGen C0950123, MeSH D030342.

Allele frequency attached by ClinVar (database versions not stated): gnomAD 0.00001; gnomAD exomes 0.00001.

Submissions (2):

Labcorp Genetics (formerly Invitae), Labcorp
Classification: Uncertain significance. Last evaluated: 2025-06-02. Review status: criteria provided, single submitter. Criteria: Invitae Variant Classification Sherloc (09022015). Collection method: clinical testing. Allele origin: germline.
Comment: This sequence change replaces glycine, which is neutral and non-polar, with cysteine, which is neutral and slightly polar, at codon 70 of the MPLKIP protein (p.Gly70Cys). The frequency data for this variant in the population databases is considered unreliable, as metrics indicate poor data quality at this position in the gnomAD database. This variant has not been reported in the literature in individuals affected with MPLKIP-related conditions. ClinVar contains an entry for this variant (Variation ID: 1490333). An algorithm developed to predict the effect of missense changes on protein structure and function (PolyPhen-2) suggests that this variant is likely to be disruptive. In summary, the available evidence is currently insufficient to determine the role of this variant in disease. Therefore, it has been classified as a Variant of Uncertain Significance.

Ambry Genetics
Classification: Uncertain significance for Inborn genetic diseases. Last evaluated: 2025-01-17. Review status: criteria provided, single submitter. Criteria: Ambry Variant Classification Scheme 2023. Collection method: clinical testing. Allele origin: germline.